The following is an entry in ClinVar:

NM_001170629.2(CHD8):c.7352G>A (p.Ser2451Asn)

Gene: CHD8 (chromodomain helicase DNA binding protein 8; minus strand). Cytogenetic location: 14q11.2.
Variant type: single nucleotide variant.
Coding change: c.7352G>A on transcript NM_001170629.2 (MANE Select); coding-DNA position 7352, G replaced by A.
Protein change: p.Ser2451Asn; replaces serine 2451 with asparagine.
Molecular consequence: missense variant.
Genome position (GRCh38, 1-based): chr14:21,386,007, C>T on the plus strand (G>A on the coding strand, the complement: CHD8 is on the minus strand). VCF-style: chr14-21386007-C-T. GRCh37 (hg19) VCF-style: chr14-21854166-C-T.
Other names: c.6515G>A, p.Ser2172Asn (NM_020920.4); short protein forms S2172N, S2451N.
Identifiers: ClinVar variation 2505951 (VCV002505951.2), dbSNP rs1466062125, ClinGen allele CA388875355.

ClinVar aggregate classification (germline): Uncertain significance. Review status: criteria provided, multiple submitters, no conflicts (2 of 4 stars). 2 submissions from 2 submitters: Uncertain significance (2). Last evaluated 2025-03-19.

Conditions:
CHD8-related disorder. Also called: CHD8-related condition; CHD8-related disorders.

Submissions (2):

PreventionGenetics, part of Exact Sciences
Classification: Uncertain significance for CHD8-related condition. Last evaluated: 2025-03-19. Review status: criteria provided, single submitter. Criteria: ACMG Guidelines, 2015. Collection method: clinical testing. Allele origin: germline.
Comment: The CHD8 c.7352G>A variant is predicted to result in the amino acid substitution p.Ser2451Asn. To our knowledge, this variant has not been reported in the literature or in a large population database (gnomAD), indicating this variant is rare. At this time, the clinical significance of this variant is uncertain due to the absence of conclusive functional and genetic evidence.

GeneDx
Classification: Uncertain significance. Last evaluated: 2022-12-13. Review status: criteria provided, single submitter. Criteria: GeneDx Variant Classification Process June 2021. Collection method: clinical testing. Allele origin: germline. Affected: yes.
Comment: Not observed at significant frequency in large population cohorts (gnomAD); In silico analysis supports that this missense variant does not alter protein structure/function; Has not been previously published as pathogenic or benign to our knowledge